The following is an entry in ClinVar:

NM_000444.6(PHEX):c.407_408insT (p.Lys136fs)

Gene: PHEX (phosphate regulating endopeptidase X-linked; plus strand). Cytogenetic location: Xp22.11.
Variant type: Insertion.
Coding change: c.407_408insT on transcript NM_000444.6 (MANE Select); coding-DNA positions 407 to 408, T inserted.
Protein change: p.Lys136fs; shifts the reading frame from lysine 136.
Molecular consequence: frameshift variant.
Genome position: GRCh38 VCF-style: chrX-22076445-A-AT. GRCh37 (hg19) VCF-style: chrX-22094563-A-AT.
Other names: c.407_408insT, p.Lys136fs (NM_001282754.2); short protein forms K136fs.
Identifiers: ClinVar variation 4682107 (VCV004682107.1).

ClinVar aggregate classification (germline): Pathogenic (1 of 4 stars; one submission).

Conditions:
Hypophosphataemia or rickets.

Submission:

Cambridge Genomics Laboratory, East Genomic Laboratory Hub, NHS Genomic Medicine Service
Classification: Pathogenic for Hypophosphataemia or rickets. Last evaluated: 2024-10-23. Review status: criteria provided, single submitter. Criteria: ACGS Best Practice Guidelines for Variant Classification in Rare Disease 2020. Collection method: clinical testing. Allele origin: germline. Affected: yes.
Comment: PVS1,PM2